The following is an entry in ClinVar:

ClinVar aggregate classification (germline): Uncertain significance (1 of 4 stars; one submission).

Conditions:
Inosine triphosphatase deficiency. Also called: INOSINE TRIPHOSPHATE PYROPHOSPHOHYDROLASE DEFICIENCY. Identifiers: MedGen C0342800, MONDO:0013461, OMIM 613850.

Allele frequency attached by ClinVar (database versions not stated): gnomAD exomes below 0.00001; ExAC 0.00001.
gnomAD v4.1: 4 of 1,613,052 alleles (0.00025%); highest among the groups gnomAD compares: East Asian, 0.0022%; no homozygotes.

Submission:

Labcorp Genetics (formerly Invitae), Labcorp
Classification: Uncertain significance for Inosine triphosphatase deficiency. Last evaluated: 2022-05-21. Review status: criteria provided, single submitter. Criteria: Invitae Variant Classification Sherloc (09022015). Collection method: clinical testing. Allele origin: germline.
Comment: In summary, the available evidence is currently insufficient to determine the role of this variant in disease. Therefore, it has been classified as a Variant of Uncertain Significance. Algorithms developed to predict the effect of missense changes on protein structure and function output the following: SIFT: "Tolerated"; PolyPhen-2: "Benign"; Align-GVGD: "Class C0". The histidine amino acid residue is found in multiple mammalian species, which suggests that this missense change does not adversely affect protein function. This variant has not been reported in the literature in individuals affected with ITPA-related conditions. This variant is present in population databases (rs764069034, gnomAD 0.006%). This sequence change replaces arginine, which is basic and polar, with histidine, which is basic and polar, at codon 130 of the ITPA protein (p.Arg130His).

NM_033453.4(ITPA):c.389G>A (p.Arg130His)

Genes: ITPA (inosine triphosphatase; plus strand), LOC130065322 (ATAC-STARR-seq lymphoblastoid silent region 12615; plus strand). Cytogenetic location: 20p13.
Variant type: single nucleotide variant.
Coding change: c.389G>A on transcript NM_033453.4 (MANE Select); coding-DNA position 389, G replaced by A.
Protein change: p.Arg130His; replaces arginine 130 with histidine.
Molecular consequence: missense variant. On other transcripts: non-coding transcript variant (2).
Genome position (GRCh38, 1-based): chr20:3,218,610, G>A. VCF-style: chr20-3218610-G-A. GRCh37 (hg19) VCF-style: chr20-3199256-G-A.
Other names: c.266G>A, p.Arg89His (NM_001267623.2); c.52G>A, p.Ala18Thr (NM_001324236.2, NM_001324237.2, NM_001324238.2 and 1 more transcripts); c.389G>A, p.Arg130His (NM_001324240.2, NM_001424408.1); c.515G>A, p.Arg172His (NM_001424409.1); c.338G>A, p.Arg113His (NM_181493.4); short protein forms A18T, R130H, R89H, R113H, R172H.
Identifiers: ClinVar variation 1997265 (VCV001997265.4), dbSNP rs764069034, ClinGen allele CA9741283.
Genomic context (GRCh38, chr20:3,218,610, plus strand): 5'-AGTCAGCCTATGCGCTCTGCACGTTTGCACTCAGCACCGGGGACCCAAGCCAGCCCGTGC[G>A]CCTGTTCAGGGGCCGGACCTCGGTGCGTACCCACCTTGATGCAGTTCCCGCCGCGCGCCG-3'
Protein context (NP_258412.1, residues 120-140): LSTGDPSQPV[Arg130His]LFRGRTSGRI